The following is an entry in ClinVar:

ClinVar aggregate classification (germline): Benign. Review status: criteria provided, multiple submitters, no conflicts (2 of 4 stars). 4 submissions from 4 submitters: Benign (4). Last evaluated 2024-07-31.

Conditions:
Dyskinesia with orofacial involvement, autosomal dominant (DSKOD). Also called: Familial dyskinesia and facial myokymia; Familial Dyskinesia with Facial Myokymia (FDFM); Dyskinesia, familial, with facial myokymia. Identifiers: Orphanet 324588, MedGen C1847627, MONDO:0800028, OMIM 606703.

Allele frequency attached by ClinVar (database versions not stated): gnomAD exomes 0.58400; gnomAD 0.61177 and 0.61735; TOPMed 0.61671; 1000 Genomes Project 30x 0.68426; 1000 Genomes Project 0.69229.
gnomAD v4.1: 884,296 of 1,502,588 alleles (59%); highest among the groups gnomAD compares: East Asian, 97%; 264,806 homozygotes.

Submissions (4):

Unidad de Genómica Garrahan, Hospital de Pediatría Garrahan
Classification: Benign. Last evaluated: 2024-07-31. Review status: criteria provided, single submitter. Criteria: ACMG Guidelines, 2015. Collection method: clinical testing. Allele origin: germline. Affected: no. Observed: 62 variant alleles.
Comment: This variant is classified as Benign based on local population frequency. This variant was detected in 67% of patients studied in a panel designed for Epileptic and Developmental Encephalopathy, Progressive Myoclonus Epilepsy and Abnormal Movements and Neurodegeneration with brain iron accumulation. Number of patients: 62. Only high quality variants are reported.

Genome-Nilou Lab
Classification: Benign for Dyskinesia with orofacial involvement, autosomal dominant. Last evaluated: 2021-07-14. Review status: criteria provided, single submitter. Criteria: ACMG Guidelines, 2015. Collection method: clinical testing. Allele origin: germline. Affected: no.

GeneDx
Classification: Benign. Last evaluated: 2018-07-30. Review status: criteria provided, single submitter. Criteria: GeneDx Variant Classification Process June 2021. Collection method: clinical testing. Allele origin: germline. Affected: yes.

Breakthrough Genomics
Classification: Benign. Review status: criteria provided, single submitter. Criteria: ACMG Guidelines, 2015. Collection method: not provided. Allele origin: germline. Inheritance: Autosomal recessive inheritance. Affected: yes.

NM_183357.3(ADCY5):c.1519-75T>G

Gene: ADCY5 (adenylate cyclase 5; minus strand). Cytogenetic location: 3q21.1.
Variant type: single nucleotide variant.
Coding change: c.1519-75T>G on transcript NM_183357.3 (MANE Select); 75 bases into the intron before coding-DNA position 1519, T replaced by G.
Molecular consequence: intron variant.
Genome position (GRCh38, 1-based): chr3:123,331,091, A>C on the plus strand (T>G on the coding strand, the complement: ADCY5 is on the minus strand). VCF-style: chr3-123331091-A-C. GRCh37 (hg19) VCF-style: chr3-123049938-A-C.
Other names: c.1519-75T>G (NM_001378259.1); c.469-75T>G (NM_001199642.1).
Identifiers: ClinVar variation 1189009 (VCV001189009.6), dbSNP rs6806529, ClinGen allele CA11375405.